The following is an entry in ClinVar:

ClinVar aggregate classification (germline): Uncertain significance (1 of 4 stars; one submission).

Conditions:
Diffuse cerebral and cerebellar atrophy - intractable seizures - progressive microcephaly syndrome. Also called: Microcephaly, progressive, with seizures and cerebral and cerebellar atrophy. Identifiers: Orphanet 404437, MedGen C4014239, MONDO:0014335, OMIM 615760.

Allele frequency attached by ClinVar (database versions not stated): gnomAD exomes below 0.00001; TOPMed 0.00001; ESP Exome Variant Server 0.00008.
gnomAD v4.1: 1 of 1,614,072 alleles (0.000062%); highest among the groups gnomAD compares: Non-Finnish European, 0.000085%; no homozygotes.

Submission:

Labcorp Genetics (formerly Invitae), Labcorp
Classification: Uncertain significance for Diffuse cerebral and cerebellar atrophy - intractable seizures - progressive microcephaly syndrome. Last evaluated: 2022-05-27. Review status: criteria provided, single submitter. Criteria: Invitae Variant Classification Sherloc (09022015). Collection method: clinical testing. Allele origin: germline.
Comment: This sequence change replaces threonine, which is neutral and polar, with isoleucine, which is neutral and non-polar, at codon 246 of the QARS protein (p.Thr246Ile). This variant is not present in population databases (gnomAD no frequency). This variant has not been reported in the literature in individuals affected with QARS-related conditions. Algorithms developed to predict the effect of missense changes on protein structure and function are either unavailable or do not agree on the potential impact of this missense change (SIFT: "Deleterious"; PolyPhen-2: "Probably Damaging"; Align-GVGD: "Class C0"). In summary, the available evidence is currently insufficient to determine the role of this variant in disease. Therefore, it has been classified as a Variant of Uncertain Significance.

NM_005051.3(QARS1):c.737C>T (p.Thr246Ile)

Gene: QARS1 (glutaminyl-tRNA synthetase 1; minus strand). Cytogenetic location: 3p21.31.
Variant type: single nucleotide variant.
Coding change: c.737C>T on transcript NM_005051.3 (MANE Select); coding-DNA position 737, C replaced by T.
Protein change: p.Thr246Ile; replaces threonine 246 with isoleucine.
Molecular consequence: missense variant. On other transcripts: non-coding transcript variant (1).
Genome position (GRCh38, 1-based): chr3:49,101,672, G>A on the plus strand (C>T on the coding strand, the complement: QARS1 is on the minus strand). VCF-style: chr3-49101672-G-A. GRCh37 (hg19) VCF-style: chr3-49139105-G-A.
Other names: c.704C>T, p.Thr235Ile (NM_001272073.2); short protein forms T235I, T246I.
Identifiers: ClinVar variation 1903434 (VCV001903434.2), dbSNP rs374197799, ClinGen allele CA74476361.